The following is an entry in ClinVar:

ClinVar aggregate classification (germline): Uncertain significance (1 of 4 stars; one submission).

Submission:

GeneDx
Classification: Uncertain significance. Last evaluated: 2025-06-18. Review status: criteria provided, single submitter. Criteria: GeneDx Variant Classification Process June 2021. Collection method: clinical testing. Allele origin: germline. Affected: yes.
Comment: Not observed at significant frequency in large population cohorts (gnomAD); In silico analysis supports that this missense variant has a deleterious effect on protein structure/function; Has not been previously published as pathogenic or benign to our knowledge

NM_001083619.3(GRIA2):c.1683A>C (p.Leu561Phe)

Gene: GRIA2 (glutamate ionotropic receptor AMPA type subunit 2; plus strand). Cytogenetic location: 4q32.1.
Variant type: single nucleotide variant.
Coding change: c.1683A>C on transcript NM_001083619.3 (MANE Select); coding-DNA position 1683, A replaced by C.
Protein change: p.Leu561Phe; replaces leucine 561 with phenylalanine.
Molecular consequence: missense variant.
Genome position (GRCh38, 1-based): chr4:157,336,586, A>C. VCF-style: chr4-157336586-A-C. GRCh37 (hg19) VCF-style: chr4-158257738-A-C.
Other names: c.1683A>C, p.Leu561Phe (NM_000826.6); c.1542A>C, p.Leu514Phe (NM_001083620.3, NM_001379000.3, NM_001379001.3); short protein forms L514F, L561F.
Identifiers: ClinVar variation 4538613 (VCV004538613.1).